The following is an entry in ClinVar:

ClinVar aggregate classification (germline): Pathogenic (1 of 4 stars; one submission).

Allele frequency attached by ClinVar (database versions not stated): gnomAD exomes 0.00001; TOPMed 0.00001; ExAC 0.00002.
gnomAD v4.1: 14 of 1,608,944 alleles (0.00087%); highest among the groups gnomAD compares: Non-Finnish European, 0.0012%; no homozygotes.

Submission:

Labcorp Genetics (formerly Invitae), Labcorp
Classification: Pathogenic. Last evaluated: 2023-12-09. Review status: criteria provided, single submitter. Criteria: Invitae Variant Classification Sherloc (09022015). Collection method: clinical testing. Allele origin: germline.
Comment: This sequence change creates a premature translational stop signal (p.Arg722*) in the SKIV2L gene. It is expected to result in an absent or disrupted protein product. Loss-of-function variants in SKIV2L are known to be pathogenic (PMID: 22444670). This variant is present in population databases (rs762491815, gnomAD 0.004%). This variant has not been reported in the literature in individuals affected with SKIV2L-related conditions. For these reasons, this variant has been classified as Pathogenic.

Literature cited by the submitters: PubMed 22444670.

NM_006929.5(SKIC2):c.2164C>T (p.Arg722Ter)

Gene: SKIC2 (SKI2 subunit of superkiller complex; plus strand). Cytogenetic location: 6p21.33.
Variant type: single nucleotide variant.
Coding change: c.2164C>T on transcript NM_006929.5 (MANE Select); coding-DNA position 2164, C replaced by T.
Protein change: p.Arg722Ter; replaces arginine 722 with a stop codon.
Molecular consequence: nonsense.
Genome position (GRCh38, 1-based): chr6:31,965,975, C>T. VCF-style: chr6-31965975-C-T. GRCh37 (hg19) VCF-style: chr6-31933752-C-T.
Other names: short protein forms R722*.
Identifiers: ClinVar variation 2985949 (VCV002985949.3), dbSNP rs762491815, ClinGen allele CA3729694.